The following is an entry in ClinVar:

ClinVar aggregate classification (germline): Uncertain significance. Review status: criteria provided, multiple submitters, no conflicts (2 of 4 stars). 2 submissions from 2 submitters: Uncertain significance (2). Last evaluated 2025-04-07.

gnomAD v4.1: 4 of 1,613,800 alleles (0.00025%); highest among the groups gnomAD compares: Middle Eastern, 0.016%; no homozygotes.

Submissions (2):

Labcorp Genetics (formerly Invitae), Labcorp
Classification: Uncertain significance. Last evaluated: 2025-04-07. Review status: criteria provided, single submitter. Criteria: Invitae Variant Classification Sherloc (09022015). Collection method: clinical testing. Allele origin: germline.
Comment: This sequence change replaces alanine, which is neutral and non-polar, with valine, which is neutral and non-polar, at codon 534 of the SRCAP protein (p.Ala534Val). This variant is not present in population databases (gnomAD no frequency). This variant has not been reported in the literature in individuals affected with SRCAP-related conditions. ClinVar contains an entry for this variant (Variation ID: 3257119). Invitae Evidence Modeling of protein sequence and biophysical properties (such as structural, functional, and spatial information, amino acid conservation, physicochemical variation, residue mobility, and thermodynamic stability) indicates that this missense variant is not expected to disrupt SRCAP protein function with a negative predictive value of 80%. In summary, the available evidence is currently insufficient to determine the role of this variant in disease. Therefore, it has been classified as a Variant of Uncertain Significance.

CeGaT Center for Human Genetics Tuebingen
Classification: Uncertain significance. Last evaluated: 2024-07-01. Review status: criteria provided, single submitter. Criteria: CeGaT Center For Human Genetics Tuebingen Variant Classification Criteria Version 2. Collection method: clinical testing. Allele origin: germline. Affected: yes. Observed: 1 variant allele.
Comment: SRCAP: PM2

NM_006662.3(SRCAP):c.1601C>T (p.Ala534Val)

Gene: SRCAP (Snf2 related CREBBP activator protein; plus strand). Cytogenetic location: 16p11.2.
Variant type: single nucleotide variant.
Coding change: c.1601C>T on transcript NM_006662.3 (MANE Select); coding-DNA position 1601, C replaced by T.
Protein change: p.Ala534Val; replaces alanine 534 with valine.
Molecular consequence: missense variant.
Genome position (GRCh38, 1-based): chr16:30,711,943, C>T. VCF-style: chr16-30711943-C-T. GRCh37 (hg19) VCF-style: chr16-30723264-C-T.
Other names: short protein forms A534V.
Identifiers: ClinVar variation 3257119 (VCV003257119.18).